The following is an entry in ClinVar:

ClinVar aggregate classification (germline): Pathogenic. Review status: criteria provided, single submitter (1 of 4 stars). 2 submissions from 2 submitters: Pathogenic (1). 1 of the submissions does not count toward it. Last evaluated 2020-07-02.

Conditions:
KBG syndrome (KBGS). Also called: ANKRD11-Related KBG Syndrome. Identifiers: Orphanet 2332, MedGen C0220687, MONDO:0007846, OMIM 148050.

Submissions (2):

Labcorp Genetics (formerly Invitae), Labcorp
Classification: Pathogenic for KBG syndrome. Last evaluated: 2020-07-02. Review status: criteria provided, single submitter. Criteria: Invitae Variant Classification Sherloc (09022015). Collection method: clinical testing. Allele origin: germline.
Comment: This sequence change creates a premature translational stop signal (p.Gly2006Argfs*26) in the ANKRD11 gene. It is expected to result in an absent or disrupted protein product. This variant is not present in population databases (ExAC no frequency). This variant has been observed in individual(s) with clinical features of KBG syndrome (PMID: 27900361). In at least one individual the variant was observed to be de novo. ClinVar contains an entry for this variant (Variation ID: 242976). Loss-of-function variants in ANKRD11 are known to be pathogenic (PMID: 21782149, 25125236, 25413698, 25652421). For these reasons, this variant has been classified as Pathogenic.

Lyon Laboratory, Cold Spring Harbor Laboratory
Classification: Pathogenic for KBG syndrome. Review status: no assertion criteria provided. Collection method: research. Allele origin: de novo. Inheritance: Sporadic. Affected: yes. Observed: 1 variant allele, 1 heterozygote. Not counted in ClinVar's aggregate classification.

Literature cited by the submitters: PubMed 27900361 (cited by Labcorp Genetics (formerly Invitae), Labcorp); PubMed 21782149 (cited by Labcorp Genetics (formerly Invitae), Labcorp); PubMed 25125236 (cited by Labcorp Genetics (formerly Invitae), Labcorp); PubMed 25413698 (cited by Labcorp Genetics (formerly Invitae), Labcorp); PubMed 25652421 (cited by Labcorp Genetics (formerly Invitae), Labcorp).

NM_013275.6(ANKRD11):c.6015dup (p.Gly2006fs)

Gene: ANKRD11 (ankyrin repeat domain 11; minus strand). Cytogenetic location: 16q24.3.
Variant type: Duplication.
Coding change: c.6015dup on transcript NM_013275.6 (MANE Select); coding-DNA position 6015, one base duplicated (A; older notation c.6015dupA).
Protein change: p.Gly2006fs; shifts the reading frame from glycine 2006.
Molecular consequence: frameshift variant.
Genome position (GRCh38, 1-based): chr16:89,280,527, T duplicated on the plus strand (A on the coding strand, the reverse complement: ANKRD11 is on the minus strand). VCF-style (leftmost placement, unchanged base first): chr16-89280526-C-CT. GRCh37 (hg19) VCF-style: chr16-89346934-C-CT.
Other names: c.6015dup, p.Gly2006fs (NM_001256182.2, NM_001256183.2); short protein forms G2006fs.
Identifiers: ClinVar variation 242976 (VCV000242976.10), dbSNP rs879253753, ClinGen allele CA10584038.
Genomic context (GRCh38, chr16:89,280,526, plus strand): 5'-CGTACGGGGCAGGAGAGGCGGGAGGGGCGGGGTACGGCGCCTCCGAGGCGCTGAAGGGCC[C>CT]TGGGGCGGCAGAGTGGAGGGGGTCCGCGGGGCAGAAACGCTTTGGGGACTCGGGGAATCT-3'